The following is an entry in ClinVar:

ClinVar aggregate classification (germline): Pathogenic/Likely pathogenic. Review status: criteria provided, multiple submitters, no conflicts (2 of 4 stars). 3 submissions from 3 submitters: Pathogenic (2); Likely pathogenic (1). Last evaluated 2022-10-25.

Conditions:
X-linked intellectual disability, Cantagrel type (XLID98). Also called: INTELLECTUAL DEVELOPMENTAL DISORDER, X-LINKED 98. Identifiers: Orphanet 85277, MedGen C3806730, MONDO:0010483, OMIM 300912.

Submissions (3):

Labcorp Genetics (formerly Invitae), Labcorp
Classification: Pathogenic. Last evaluated: 2022-10-25. Review status: criteria provided, single submitter. Criteria: Invitae Variant Classification Sherloc (09022015). Collection method: clinical testing. Allele origin: germline.
Comment: This sequence change creates a premature translational stop signal (p.Glu375Argfs*21) in the NEXMIF gene. It is expected to result in an absent or disrupted protein product. Loss-of-function variants in NEXMIF are known to be pathogenic (PMID: 23615299). This variant is not present in population databases (gnomAD no frequency). For these reasons, this variant has been classified as Pathogenic. ClinVar contains an entry for this variant (Variation ID: 280599). This variant has not been reported in the literature in individuals affected with NEXMIF-related conditions.

Institute of Human Genetics, University of Leipzig Medical Center
Classification: Likely pathogenic for X-linked intellectual disability, Cantagrel type. Last evaluated: 2019-01-01. Review status: criteria provided, single submitter. Criteria: ACMG Guidelines, 2015. Collection method: clinical testing. Allele origin: unknown. Affected: yes.

GeneDx
Classification: Pathogenic. Last evaluated: 2018-07-09. Review status: criteria provided, single submitter. Criteria: GeneDx Variant Classification (06012015). Collection method: clinical testing. Allele origin: germline. Affected: yes.
Comment: The c.1123delG variant in the KIAA2022 gene has not been reported previously as a pathogenicvariant nor as a benign variant, to our knowledge. The c.1123delG variant causes a frameshift startingwith codon Glutamic acid 375, changes this amino acid to an Arginine residue, and creates a prematureStop codon at position 21 of the new reading frame, denoted p.Glu375ArgfsX21. This variant ispredicted to cause loss of normal protein function either through protein truncation or nonsense-mediated mRNA decay. The c.1123delG variant is not observed in large population cohorts (Lek et al.,2016). We interpret c.1123delG as a pathogenic variant.

Literature cited by the submitters: PubMed 23615299 (cited by Labcorp Genetics (formerly Invitae), Labcorp).

NM_001008537.3(NEXMIF):c.1123del (p.Glu375fs)

Gene: NEXMIF (neurite extension and migration factor; minus strand). Cytogenetic location: Xq13.3.
Variant type: Deletion.
Coding change: c.1123del on transcript NM_001008537.3 (MANE Select); coding-DNA position 1123, one base deleted (G; older notation c.1123delG).
Protein change: p.Glu375fs; shifts the reading frame from glutamic acid 375.
Molecular consequence: frameshift variant.
Genome position (GRCh38, 1-based): chrX:74,743,434, C deleted on the plus strand (G on the coding strand, the reverse complement: NEXMIF is on the minus strand); the first of 6 consecutive C bases (chrX:74,743,434-74,743,439); deleting any one gives the same sequence. VCF-style (leftmost placement, unchanged base first): chrX-74743433-TC-T. GRCh37 (hg19) VCF-style: chrX-73963268-TC-T.
Other names: short protein forms E375fs.
Identifiers: ClinVar variation 280599 (VCV000280599.11), dbSNP rs886041774, ClinGen allele CA10603738.
Genomic context (GRCh38, chrX:74,743,433, plus strand): 5'-ACACCTTTGTCTTCCTGTCCTTCCTCTTTGCCTTTCTTCTTGTCCAAGTTTTTATCTTCC[TC>T]CCCCCAGATGATGCTCACATCAGGGACCTTGAATTGGGAAAAATCACTGCTCTGCTTCAG-3'